The following is an entry in ClinVar:

NM_002432.3(MNDA):c.937T>C (p.Tyr313His)

Gene: MNDA (myeloid cell nuclear differentiation antigen; plus strand). Cytogenetic location: 1q23.1.
Variant type: single nucleotide variant.
Coding change: c.937T>C on transcript NM_002432.3 (MANE Select); coding-DNA position 937, T replaced by C.
Protein change: p.Tyr313His; replaces tyrosine 313 with histidine.
Molecular consequence: missense variant.
Genome position (GRCh38, 1-based): chr1:158,845,953, T>C. VCF-style: chr1-158845953-T-C. GRCh37 (hg19) VCF-style: chr1-158815743-T-C.
Other names: short protein forms Y313H.
Identifiers: ClinVar variation 3295441 (VCV003295441.1).

ClinVar aggregate classification (germline): Uncertain significance (1 of 4 stars; one submission).

gnomAD v4.1: 1 of 1,614,146 alleles (0.000062%); no homozygotes.

Submission:

Ambry Genetics
Classification: Uncertain significance. Last evaluated: 2024-04-28. Review status: criteria provided, single submitter. Criteria: Ambry Variant Classification Scheme 2023. Collection method: clinical testing. Allele origin: germline.
Comment: The p.Y313H variant (also known as c.937T>C), located in coding exon 4 of the MNDA gene, results from a T to C substitution at nucleotide position 937. The tyrosine at codon 313 is replaced by histidine, an amino acid with similar properties. This amino acid position is conserved. In addition, this alteration is predicted to be tolerated by in silico analysis. Based on the available evidence, the clinical significance of this variant remains unclear.